The following is an entry in ClinVar:

NM_001754.5(RUNX1):c.1270T>G (p.Ser424Ala)

Gene: RUNX1 (RUNX family transcription factor 1; minus strand). Cytogenetic location: 21q22.12.
Variant type: single nucleotide variant.
Coding change: c.1270T>G on transcript NM_001754.5 (MANE Select); coding-DNA position 1270, T replaced by G.
Protein change: p.Ser424Ala; replaces serine 424 with alanine.
Molecular consequence: missense variant.
Genome position (GRCh38, 1-based): chr21:34,792,308, A>C on the plus strand (T>G on the coding strand, the complement: RUNX1 is on the minus strand). VCF-style: chr21-34792308-A-C. GRCh37 (hg19) VCF-style: chr21-36164605-A-C.
Other names: NM_001754.5(RUNX1):c.1270T>G; p.Ser424Ala; c.1189T>G, p.Ser397Ala (NM_001001890.3); short protein forms S397A, S424A.
Identifiers: ClinVar variation 988867 (VCV000988867.5), dbSNP rs2056451534, ClinGen allele CA410147560.

ClinVar aggregate classification (germline): Uncertain significance. Review status: reviewed by expert panel (3 of 4 stars). 4 submissions from 4 submitters: Uncertain significance (1). 3 of the submissions do not count toward it. Last evaluated 2024-11-13.

Conditions:
Abnormal bleeding. Also called: Bleeding diathesis. Identifiers: MedGen C1458140, HP:0001892.
Thrombocytopenia. Identifiers: MedGen C0040034, MeSH D013921, MONDO:0002049, HP:0001873.
Aggressive systemic mastocytosis. Identifiers: Orphanet 98850, MedGen C1112486, MONDO:0020333.
Hereditary thrombocytopenia and hematologic cancer predisposition syndrome. Identifiers: Orphanet 71290, MedGen CN281654, MONDO:0011071.

Allele frequency attached by ClinVar (database versions not stated): gnomAD 0.00003 and 0.00020; 1000 Genomes Project 30x 0.00984.
gnomAD v4.1: 3,159 of 1,152,872 alleles (0.27%); highest among the groups gnomAD compares: East Asian, 1.1%; no homozygotes.

Submissions (4):

ClinGen Myeloid Malignancy Variant Curation Expert Panel
Classification: Uncertain significance for Hereditary thrombocytopenia and hematologic cancer predisposition syndrome. Last evaluated: 2024-11-13. Review status: reviewed by expert panel. Criteria: ClinGen MyeloMalig ACMG Specifications v2. Collection method: curation. Allele origin: germline. Inheritance: Autosomal dominant inheritance.
Comment: NM_001754.5(RUNX1):c.1270T>G (p.Ser424Ala) is a missense variant predicted to cause the substitution of serine by alanine at amino acid 424 (p.S424A). This variant is absent from gnomAD v2, but in gnomAD v3, the highest population minor allele frequency is 0.1702% (7/4114 alleles) in the South Asian population, and in gnomAD v4, it is 1.053% (255/24222 alleles) in the East Asian population. These frequencies are higher than the overall allele frequency of all disease-causing alleles derived by the ClinGen Myeloid Malignancy-VCEP. However, allele balance in gnomAD v3 and v4 is heavily skewed, and site quality appears lower compared to some common, known pathogenic variants (BA1 not met). However, the confirmation status of the alteration and/or germline origin was not available for these cases, and the variant's presence in gnomAD precludes the use of PS4. Functional data exist for this variant, but it does not meet the criteria for established assays assessing RUNX1 function (PS3/BS3 not met). In vitro studies have demonstrated that Ser424 is a phosphorylation target of CDK/Cyclin complexes (PMID: 18003885). However, the S424A variant does not appear to impair transactivation, affect interaction with HDAC1, or alter levels of marrow progenitor proliferation compared to the wild type, although collective alterations at S48, S303, and S424 may impact this pathway (PMID: 18003885; PMID: 21059642). The computational predictor REVEL gives a score of 0.284, which is below the threshold of 0.50, and the splice site predictor SpliceAI indicates that the variant has no impact on splicing, suggesting it does not predict a damaging effect on RUNX1 function (BP4). In summary, this variant meets the criteria to be classified as a variant of uncertain significance (VUS) for autosomal dominant hereditary thrombocytopenia and hematologic cancer predisposition syndrome. ACMG/AMP criteria applied, as specified by the ClinGen Myeloid Malignancy VCEP: BP4.

Revvity Omics, Revvity
Classification: Uncertain significance. Last evaluated: 2025-04-07. Review status: criteria provided, single submitter. Criteria: ACMG Guidelines, 2015. Collection method: clinical testing. Allele origin: germline. Not counted in ClinVar's aggregate classification.

Department of Pathology and Laboratory Medicine, Sinai Health System
Classification: Uncertain significance for Aggressive systemic mastocytosis. Last evaluated: 2023-05-15. Review status: criteria provided, single submitter. Criteria: ACMG Guidelines, 2015. Collection method: research. Allele origin: germline. Not counted in ClinVar's aggregate classification.

Birmingham Platelet Group; University of Birmingham
Classification: Likely pathogenic for Thrombocytopenia; Abnormal bleeding. Last evaluated: 2020-05-01. Review status: no assertion criteria provided. Collection method: research. Allele origin: germline. Affected: yes. Not counted in ClinVar's aggregate classification.